The following is an entry in ClinVar:

NM_000540.3(RYR1):c.14242A>G (p.Thr4748Ala)

Gene: RYR1 (ryanodine receptor 1; plus strand). Cytogenetic location: 19q13.2.
Variant type: single nucleotide variant.
Coding change: c.14242A>G on transcript NM_000540.3 (MANE Select); coding-DNA position 14242, A replaced by G.
Protein change: p.Thr4748Ala; replaces threonine 4748 with alanine.
Molecular consequence: missense variant.
Genome position (GRCh38, 1-based): chr19:38,577,987, A>G. VCF-style: chr19-38577987-A-G. GRCh37 (hg19) VCF-style: chr19-39068627-A-G.
Other names: c.14227A>G, p.Thr4743Ala (NM_001042723.2); short protein forms T4743A, T4748A.
Identifiers: ClinVar variation 3074371 (VCV003074371.2), dbSNP rs2514738861, ClinGen allele CA405684586.
Genomic context (GRCh38, chr19:38,577,987, plus strand): 5'-AAACATGGGGACATCTACGGGCGGGAGCGGATTGCTGAGCTACTGGGCATGGACCTGGCC[A>G]CACTAGAGATCACAGCCCACAATGAGCGCAAGCCCAACCCGCCGCCAGGGCTGCTGACCT-3'
Protein context (NP_000531.2, residues 4738-4758): IAELLGMDLA[Thr4748Ala]LEITAHNERK

ClinVar aggregate classification (germline): Uncertain significance. Review status: criteria provided, multiple submitters, no conflicts (2 of 4 stars). 2 submissions from 2 submitters: Uncertain significance (2). Last evaluated 2023-11-02.

Conditions:
Malignant hyperthermia, susceptibility to, 1 (MHS1). Also called: Anesthesia related hyperthermia; Malignant hyperpyrexia; Fulminating hyperpyrexia; Pharmacogenic myopathy; RYR1-Related Malignant Hyperthermia Susceptibility; Malignant hyperthermia suceptibility 1. Identifiers: Orphanet 423, MedGen C2930980, MONDO:0007783, OMIM 145600.

Submissions (2):

All of Us Research Program, National Institutes of Health
Classification: Uncertain significance for Malignant hyperthermia, susceptibility to, 1. Last evaluated: 2023-11-02. Review status: criteria provided, single submitter. Criteria: ACMG Guidelines, 2015. Collection method: clinical testing. Allele origin: germline. Inheritance: Autosomal dominant inheritance. Observed: 1 variant allele, 1 heterozygote.
Comment: This missense variant replaces threonine with alanine at codon 4748 of the RYR1 protein. Computational prediction suggests that this variant may not impact protein structure and function (internally defined REVEL score threshold <= 0.5, PMID: 27666373). To our knowledge, functional studies have not been reported for this variant. This variant has not been reported in individuals affected with RYR1-related disorders in the literature. This variant has not been identified in the general population by the Genome Aggregation Database (gnomAD). The available evidence is insufficient to determine the role of this variant in disease conclusively. Therefore, this variant is classified as a Variant of Uncertain Significance.

This study involves interpretation of variants in research participants for the purpose of population health screening. Participant phenotype was not available at the time of variant classification. Additional details can be found in publication PMID: 35346344, PMCID: PMC8962531

Color Diagnostics, LLC DBA Color Health
Classification: Uncertain significance for Malignant hyperthermia, susceptibility to, 1. Last evaluated: 2023-10-18. Review status: criteria provided, single submitter. Criteria: ACMG Guidelines, 2015. Collection method: clinical testing. Allele origin: germline.
Comment: This missense variant replaces threonine with alanine at codon 4748 of the RYR1 protein. Computational prediction suggests that this variant may not impact protein structure and function. To our knowledge, functional studies have not been reported for this variant. This variant has not been reported in individuals affected with RYR1-related disorders in the literature. This variant has not been identified in the general population by the Genome Aggregation Database (gnomAD). The available evidence is insufficient to determine the role of this variant in disease conclusively. Therefore, this variant is classified as a Variant of Uncertain Significance.